The following is an entry in ClinVar:

NM_020533.3(MCOLN1):c.532del (p.Ala178fs)

Gene: MCOLN1 (mucolipin TRP cation channel 1; plus strand). Cytogenetic location: 19p13.2.
Variant type: Deletion.
Coding change: c.532del on transcript NM_020533.3 (MANE Select); coding-DNA position 532, one base deleted (G; older notation c.532delG).
Protein change: p.Ala178fs; shifts the reading frame from alanine 178.
Molecular consequence: frameshift variant.
Genome position (GRCh38, 1-based): chr19:7,526,887, G deleted; the last of 2 consecutive G bases (chr19:7,526,886-7,526,887); deleting either gives the same sequence. VCF-style (leftmost placement, unchanged base first): chr19-7526885-CG-C. GRCh37 (hg19) VCF-style: chr19-7591771-CG-C.
Other names: short protein forms A178fs.
Identifiers: ClinVar variation 4992711 (VCV004992711.1).

ClinVar aggregate classification (germline): Likely pathogenic (1 of 4 stars; one submission).

Conditions:
MCOLN1-related disorder. Also called: MCOLN1-related condition.

Submission:

PreventionGenetics, part of Exact Sciences
Classification: Likely pathogenic for MCOLN1-related condition. Last evaluated: 2026-08-19. Review status: criteria provided, single submitter. Criteria: ACMG Guidelines, 2015. Collection method: clinical testing. Allele origin: germline.
Comment: The MCOLN1 c.532delG variant is predicted to result in a frameshift and premature protein termination (p.Ala178Profs*60). To our knowledge, this variant has not been reported in the literature or in a large population database (gnomAD), indicating this variant is rare. Frameshift variants in MCOLN1 are expected to be pathogenic. This variant is interpreted as likely pathogenic.